The following is an entry in ClinVar:

NM_001367805.3(KIF23):c.1228C>G (p.Leu410Val)

Gene: KIF23 (kinesin family member 23; plus strand). Cytogenetic location: 15q23.
Variant type: single nucleotide variant.
Coding change: c.1228C>G on transcript NM_001367805.3 (MANE Select); coding-DNA position 1228, C replaced by G.
Protein change: p.Leu410Val; replaces leucine 410 with valine.
Molecular consequence: missense variant. On other transcripts: non-coding transcript variant (2).
Genome position (GRCh38, 1-based): chr15:69,435,685, C>G. VCF-style: chr15-69435685-C-G. GRCh37 (hg19) VCF-style: chr15-69728024-C-G.
Other names: c.856C>G, p.Leu286Val (NM_001281301.2); c.1186C>G, p.Leu396Val (NM_001367804.2, NM_004856.7, NM_138555.4); c.1186C>G (NM_138555.2); short protein forms L286V, L396V, L410V.
Identifiers: ClinVar variation 2433143 (VCV002433143.5), dbSNP rs771894092, ClinGen allele CA7635123.

ClinVar aggregate classification (germline): Uncertain significance. Review status: criteria provided, multiple submitters, no conflicts (2 of 4 stars). 3 submissions from 3 submitters: Uncertain significance (3). Last evaluated 2026-01-12.

Allele frequency attached by ClinVar (database versions not stated): gnomAD exomes 0.00001; gnomAD 0.00002; TOPMed 0.00003.
gnomAD v4.1: 18 of 1,614,004 alleles (0.0011%); highest among the groups gnomAD compares: East Asian, 0.038%; no homozygotes.

Submissions (3):

Labcorp Genetics (formerly Invitae), Labcorp
Classification: Uncertain significance. Last evaluated: 2026-01-12. Review status: criteria provided, single submitter. Criteria: Invitae Variant Classification Sherloc (09022015). Collection method: clinical testing. Allele origin: germline.
Comment: This sequence change replaces leucine, which is neutral and non-polar, with valine, which is neutral and non-polar, at codon 396 of the KIF23 protein (p.Leu396Val). This variant is present in population databases (rs771894092, gnomAD 0.04%). This variant has not been reported in the literature in individuals affected with KIF23-related conditions. ClinVar contains an entry for this variant (Variation ID: 2433143). Invitae Evidence Modeling of protein sequence and biophysical properties (such as structural, functional, and spatial information, amino acid conservation, physicochemical variation, residue mobility, and thermodynamic stability) has been performed for this missense variant. However, the output from this modeling did not meet the statistical confidence thresholds required to predict the impact of this variant on KIF23 protein function. In summary, the available evidence is currently insufficient to determine the role of this variant in disease. Therefore, it has been classified as a Variant of Uncertain Significance.

Ambry Genetics
Classification: Uncertain significance. Last evaluated: 2023-09-23. Review status: criteria provided, single submitter. Criteria: Ambry Variant Classification Scheme 2023. Collection method: clinical testing. Allele origin: germline.

Revvity Omics, Revvity
Classification: Uncertain significance. Last evaluated: 2021-04-14. Review status: criteria provided, single submitter. Criteria: ACMG Guidelines, 2015. Collection method: clinical testing. Allele origin: germline.